The following is an entry in ClinVar:

ClinVar aggregate classification (germline): Conflicting classifications of pathogenicity. Review status: criteria provided, conflicting classifications (1 of 4 stars). 12 submissions from 12 submitters: Uncertain significance (3); Benign (1); Likely benign (7). 1 of the submissions does not count toward it. Last evaluated 2026-05-28.

Conditions:
Hermansky-Pudlak syndrome 2 (HPS2). Also called: Platelet defects and oculocutaneous albinism. Identifiers: Orphanet 183678, Orphanet 79430, MedGen C1842362, MONDO:0011997, OMIM 608233.
Inborn genetic diseases. Identifiers: MedGen C0950123, MeSH D030342.
Hermansky-Pudlak syndrome (HPS). Also called: ALBINISM WITH HEMORRHAGIC DIATHESIS AND PIGMENTED RETICULOENDOTHELIAL CELLS. Identifiers: Orphanet 79430, MedGen C0079504, MONDO:0019312.
AP3B1-related disorder. Also called: AP3B1-related condition.
Autoinflammatory syndrome. Identifiers: Orphanet 93665, MedGen C3890737, MONDO:0019751.

Allele frequency attached by ClinVar (database versions not stated): gnomAD exomes 0.00032 and 0.00082; ExAC 0.00078; 1000 Genomes Project 0.00120; 1000 Genomes Project 30x 0.00156; gnomAD 0.00194 and 0.00213; ESP Exome Variant Server 0.00200; TOPMed 0.00230.
gnomAD v4.1: 786 of 1,612,202 alleles (0.049%); highest among the groups gnomAD compares: African/African-American, 0.62%; 2 homozygotes.

Submissions (12):

Women's Health and Genetics/Laboratory Corporation of America, LabCorp
Classification: Likely benign. Last evaluated: 2026-05-28. Review status: criteria provided, single submitter. Criteria: LabCorp Variant Classification Summary - May 2015. Collection method: clinical testing. Allele origin: germline.
Comment: Variant summary: AP3B1 c.2915A>G (p.Asn972Ser) results in a conservative amino acid change in the encoded protein sequence. Algorithms developed to predict the effect of missense changes on protein structure and function all suggest that this variant is likely to be tolerated. The variant allele was found at a frequency of 0.00082 in 250490 control chromosomes, predominantly at a frequency of 0.0064 within the African or African-American subpopulation in the gnomAD database. The observed variant frequency within African or African-American control individuals in the gnomAD database exceeds the estimated maximal expected allele frequency for disease-causing variants in AP3B1. To our knowledge, no occurrence of c.2915A>G in individuals affected with AP3B1-related conditions and no experimental evidence demonstrating its impact on protein function have been reported. ClinVar contains an entry for this variant (Variation ID: 464884). Based on the evidence outlined above, the variant was classified as likely benign.

Labcorp Genetics (formerly Invitae), Labcorp
Classification: Benign for Hermansky-Pudlak syndrome 2. Last evaluated: 2026-01-20. Review status: criteria provided, single submitter. Criteria: Invitae Variant Classification Sherloc (09022015). Collection method: clinical testing. Allele origin: germline.

Ambry Genetics
Classification: Likely benign for Inborn genetic diseases. Last evaluated: 2025-02-12. Review status: criteria provided, single submitter. Criteria: Ambry Variant Classification Scheme 2023. Collection method: clinical testing. Allele origin: germline.

Blueprint Genetics
Classification: Likely benign. Last evaluated: 2024-10-21. Review status: criteria provided, single submitter. Criteria: ACMG Guidelines, 2015. Collection method: clinical testing. Allele origin: germline.

CeGaT Center for Human Genetics Tuebingen
Classification: Likely benign. Last evaluated: 2023-09-01. Review status: criteria provided, single submitter. Criteria: CeGaT Center For Human Genetics Tuebingen Variant Classification Criteria Version 2. Collection method: clinical testing. Allele origin: germline. Affected: yes. Observed: 1 variant allele.
Comment: AP3B1: BP4, BS1

GeneDx
Classification: Uncertain significance. Last evaluated: 2022-04-11. Review status: criteria provided, single submitter. Criteria: GeneDx Variant Classification Process June 2021. Collection method: clinical testing. Allele origin: germline. Affected: yes.
Comment: In silico analysis supports that this missense variant does not alter protein structure/function; Has not been previously published as pathogenic or benign to our knowledge

Center for Genomics, Ann and Robert H. Lurie Children's Hospital of Chicago
Classification: Uncertain significance for Hermansky-Pudlak syndrome 2. Last evaluated: 2021-03-30. Review status: criteria provided, single submitter. Criteria: ACMG Guidelines, 2015. Collection method: clinical testing. Allele origin: germline.
Comment: AP3B1 NM_003664.4 exon 25 p.Asn972Ser (c.2915A>G): This variant has not been reported in the literature but is present in 0.6% (163/24026) of African alleles, including 1 homozygote in the Genome Aggregation Database. This variant is present in ClinVar (Variation ID:464884). This variant amino acid Serine (Ser) is present in >40 species and is not well conserved among evolutionarily distant species; this suggests that this variant may not impact the protein. Additional computational prediction tools do not suggest an impact. In summary, data on this variant is insufficient for disease classification. Therefore, the clinical significance of this variant is uncertain.

Genome Diagnostics Laboratory, The Hospital for Sick Children
Classification: Likely benign for Autoinflammatory syndrome. Last evaluated: 2020-07-29. Review status: criteria provided, single submitter. Criteria: ACMG Guidelines, 2015. Collection method: clinical testing. Allele origin: germline. Affected: yes.

Genetics and Molecular Pathology, SA Pathology
Classification: Uncertain significance for Hermansky-Pudlak syndrome. Last evaluated: 2019-10-02. Review status: criteria provided, single submitter. Criteria: ACMG Guidelines, 2015. Collection method: clinical testing. Allele origin: germline. Inheritance: Autosomal recessive inheritance. Affected: yes.

Genetic Services Laboratory, University of Chicago
Classification: Likely benign. Last evaluated: 2018-05-31. Review status: criteria provided, single submitter. Criteria: ACMG Guidelines, 2015. Collection method: clinical testing. Allele origin: germline. Affected: no.

Illumina Laboratory Services, Illumina
Classification: Likely benign for Hermansky-Pudlak syndrome 2. Last evaluated: 2018-01-12. Review status: criteria provided, single submitter. Criteria: ICSL Variant Classification Criteria 13 December 2019. Collection method: clinical testing. Allele origin: germline.
Comment: This variant was observed in the ICSL laboratory as part of a predisposition screen in an ostensibly healthy population. It had not been previously curated by ICSL or reported in the Human Gene Mutation Database (HGMD: prior to June 1st, 2018), and was therefore a candidate for classification through an automated scoring system. Utilizing variant allele frequency, disease prevalence and penetrance estimates, and inheritance mode, an automated score was calculated to assess if this variant is too frequent to cause the disease. Based on the score and internal cut-off values, a variant classified as likely benign is not then subjected to further curation. The score for this variant resulted in a classification of likely benign for this disease.

PreventionGenetics, part of Exact Sciences
Classification: Likely benign for AP3B1-related condition. Last evaluated: 2019-07-31. Review status: no assertion criteria provided. Collection method: clinical testing. Allele origin: germline. Not counted in ClinVar's aggregate classification.
Comment: This variant is classified as likely benign based on ACMG/AMP sequence variant interpretation guidelines (Richards et al. 2015 PMID: 25741868, with internal and published modifications).

NM_003664.5(AP3B1):c.2915A>G (p.Asn972Ser)

Gene: AP3B1 (adaptor related protein complex 3 subunit beta 1; minus strand). Cytogenetic location: 5q14.1.
Variant type: single nucleotide variant.
Coding change: c.2915A>G on transcript NM_003664.5 (MANE Select); coding-DNA position 2915, A replaced by G.
Protein change: p.Asn972Ser; replaces asparagine 972 with serine.
Molecular consequence: missense variant.
Genome position (GRCh38, 1-based): chr5:78,020,769, T>C on the plus strand (A>G on the coding strand, the complement: AP3B1 is on the minus strand). VCF-style: chr5-78020769-T-C. GRCh37 (hg19) VCF-style: chr5-77316593-T-C.
Other names: c.2768A>G, p.Asn923Ser (NM_001271769.2); short protein forms N972S, N923S.
Identifiers: ClinVar variation 464884 (VCV000464884.56), dbSNP rs139968311, ClinGen allele CA3316619.